The following is an entry in ClinVar:

ClinVar aggregate classification (germline): Likely benign. Review status: criteria provided, multiple submitters, no conflicts (2 of 4 stars). 2 submissions from 2 submitters: Likely benign (2). Last evaluated 2024-10-23.

Conditions:
Hyperphosphatasia with impaired intellectual development syndrome 2. Also called: GLYCOSYLPHOSPHATIDYLINOSITOL BIOSYNTHESIS DEFECT 6; Hyperphosphatasia with intellectual disability syndrome 2. Identifiers: Orphanet 247262, MedGen C3553637, MONDO:0013882, OMIM 614749.

Allele frequency attached by ClinVar (database versions not stated): gnomAD exomes below 0.00001; TOPMed below 0.00001.
gnomAD v4.1: 1 of 1,614,168 alleles (0.000062%); highest among the groups gnomAD compares: Non-Finnish European, 0.000085%; no homozygotes.

Submissions (2):

Labcorp Genetics (formerly Invitae), Labcorp
Classification: Likely benign for Hyperphosphatasia with impaired intellectual development syndrome 2. Last evaluated: 2024-10-23. Review status: criteria provided, single submitter. Criteria: Invitae Variant Classification Sherloc (09022015). Collection method: clinical testing. Allele origin: germline.

CeGaT Center for Human Genetics Tuebingen
Classification: Likely benign. Last evaluated: 2024-06-01. Review status: criteria provided, single submitter. Criteria: CeGaT Center For Human Genetics Tuebingen Variant Classification Criteria Version 2. Collection method: clinical testing. Allele origin: germline. Affected: yes. Observed: 1 variant allele.
Comment: PIGO: PM2:Supporting, BP4, BP7

NM_032634.4(PIGO):c.927C>T (p.Ser309=)

Gene: PIGO (phosphatidylinositol glycan anchor biosynthesis class O; minus strand). Cytogenetic location: 9p13.3.
Variant type: single nucleotide variant.
Coding change: c.927C>T on transcript NM_032634.4 (MANE Select); coding-DNA position 927, C replaced by T.
Protein change: p.Ser309=; no amino-acid change (serine 309 retained).
Molecular consequence: synonymous variant.
Genome position (GRCh38, 1-based): chr9:35,093,433, G>A on the plus strand (C>T on the coding strand, the complement: PIGO is on the minus strand). VCF-style: chr9-35093433-G-A. GRCh37 (hg19) VCF-style: chr9-35093430-G-A.
Other names: c.927C>T, p.Ser309= (NM_001201484.2, NM_152850.4).
Identifiers: ClinVar variation 3017002 (VCV003017002.21), dbSNP rs1458657249, ClinGen allele CA464603805.
Genomic context (GRCh38, chr9:35,093,433, plus strand): 5'-CATGGGCTGATTACTGGGAGAACAGATGAGGAACATCCCAGGCCTCACCTCTGGTGGGGT[G>A]CTGGGGAAGACTGCTGTGGGGCTATACAGAAAGAGAGCAGCTGAGACCTCCAGCTCACTG-3'
Protein context (NP_116023.2, residues 299-319): FLYSPTAVFP[Ser309=]TPPEEPEVIP